The following is an entry in ClinVar:

ClinVar aggregate classification (germline): Pathogenic/Likely pathogenic. Review status: criteria provided, multiple submitters, no conflicts (2 of 4 stars). 2 submissions from 2 submitters: Pathogenic (1); Likely pathogenic (1). Last evaluated 2022-11-22.

Conditions:
Actin accumulation myopathy (CMYO2A). Also called: Myopathy, actin, congenital, with cores; Nemaline myopathy 3, with intranuclear rods; Nemaline myopathy type 3; Myopathy, actin, congenital, with excess of thin myofilaments; CONGENITAL MYOPATHY 2A, TYPICAL, AUTOSOMAL DOMINANT. Identifiers: Orphanet 98904, MedGen C3711389, MONDO:0008070, OMIM 161800.

Submissions (2):

Labcorp Genetics (formerly Invitae), Labcorp
Classification: Pathogenic for Actin accumulation myopathy. Last evaluated: 2022-11-22. Review status: criteria provided, single submitter. Criteria: Invitae Variant Classification Sherloc (09022015). Collection method: clinical testing. Allele origin: germline.
Comment: For these reasons, this variant has been classified as Pathogenic. Advanced modeling of protein sequence and biophysical properties (such as structural, functional, and spatial information, amino acid conservation, physicochemical variation, residue mobility, and thermodynamic stability) performed at Invitae indicates that this missense variant is expected to disrupt ACTA1 protein function. ClinVar contains an entry for this variant (Variation ID: 974929). This missense change has been observed in individual(s) with autosomal dominant nemaline myopathy (PMID: 25635128). In at least one individual the variant was observed to be de novo. This variant is not present in population databases (gnomAD no frequency). This sequence change replaces proline, which is neutral and non-polar, with arginine, which is basic and polar, at codon 72 of the ACTA1 protein (p.Pro72Arg).

SIB Swiss Institute of Bioinformatics
Classification: Likely pathogenic for Actin accumulation myopathy. Last evaluated: 2020-06-05. Review status: criteria provided, single submitter. Criteria: ACMG Guidelines, 2015. Collection method: curation. Allele origin: unknown.
Comment: This variant is interpreted as likely pathogenic for nemaline myopathy 3, autosomal dominant. The following ACMG Tag(s) were applied: Absent from controls (or at extremely low frequency if recessive) in Exome Sequencing Project, 1000 Genomes Project, or Exome Aggregation Consortium (PM2); Assumed de novo, without confirmation of paternity and maternity (PM6); Multiple lines of computational evidence support a deleterious effect on the gene or gene product (PP3); Missense variant in a gene that has a low rate of benign missense variation (PP2).

Literature cited by the submitters: PubMed 25635128 (cited by Labcorp Genetics (formerly Invitae), Labcorp and SIB Swiss Institute of Bioinformatics).

NM_001100.4(ACTA1):c.215C>G (p.Pro72Arg)

Gene: ACTA1 (actin alpha 1, skeletal muscle; minus strand). Cytogenetic location: 1q42.13.
Variant type: single nucleotide variant.
Coding change: c.215C>G on transcript NM_001100.4 (MANE Select); coding-DNA position 215, C replaced by G.
Protein change: p.Pro72Arg; replaces proline 72 with arginine.
Molecular consequence: missense variant.
Genome position (GRCh38, 1-based): chr1:229,432,795, G>C on the plus strand (C>G on the coding strand, the complement: ACTA1 is on the minus strand). VCF-style: chr1-229432795-G-C. GRCh37 (hg19) VCF-style: chr1-229568542-G-C.
Other names: short protein forms P72R.
Identifiers: ClinVar variation 974929 (VCV000974929.6), dbSNP rs1659978909, ClinGen allele CA345150617.